The following is an entry in ClinVar:

ClinVar aggregate classification (germline): Uncertain significance (1 of 4 stars; one submission).

Submission:

Labcorp Genetics (formerly Invitae), Labcorp
Classification: Uncertain significance. Last evaluated: 2024-10-24. Review status: criteria provided, single submitter. Criteria: Invitae Variant Classification Sherloc (09022015). Collection method: clinical testing. Allele origin: germline.
Comment: This sequence change replaces alanine, which is neutral and non-polar, with proline, which is neutral and non-polar, at codon 249 of the MAPKAPK3 protein (p.Ala249Pro). This variant is not present in population databases (gnomAD no frequency). This variant has not been reported in the literature in individuals affected with MAPKAPK3-related conditions. ClinVar contains an entry for this variant (Variation ID: 1394657). An algorithm developed to predict the effect of missense changes on protein structure and function (PolyPhen-2) suggests that this variant is likely to be tolerated. In summary, the available evidence is currently insufficient to determine the role of this variant in disease. Therefore, it has been classified as a Variant of Uncertain Significance.

NM_001243925.2(MAPKAPK3):c.745G>C (p.Ala249Pro)

Gene: MAPKAPK3 (MAPK activated protein kinase 3; plus strand). Cytogenetic location: 3p21.2.
Variant type: single nucleotide variant.
Coding change: c.745G>C on transcript NM_001243925.2 (MANE Select); coding-DNA position 745, G replaced by C.
Protein change: p.Ala249Pro; replaces alanine 249 with proline.
Molecular consequence: missense variant.
Genome position (GRCh38, 1-based): chr3:50,646,180, G>C. VCF-style: chr3-50646180-G-C. GRCh37 (hg19) VCF-style: chr3-50683611-G-C.
Other names: c.745G>C, p.Ala249Pro (NM_001243926.2, NM_004635.5); short protein forms A249P.
Identifiers: ClinVar variation 1394657 (VCV001394657.6), dbSNP rs2033288910, ClinGen allele CA352934198.